The following is an entry in ClinVar:

ClinVar aggregate classification (germline): Uncertain significance. Review status: criteria provided, multiple submitters, no conflicts (2 of 4 stars). 2 submissions from 2 submitters: Uncertain significance (2). Last evaluated 2024-12-22.

Conditions:
Inborn genetic diseases. Identifiers: MedGen C0950123, MeSH D030342.

Submissions (2):

Ambry Genetics
Classification: Uncertain significance for Inborn genetic diseases. Last evaluated: 2024-12-22. Review status: criteria provided, single submitter. Criteria: Ambry Variant Classification Scheme 2023. Collection method: clinical testing. Allele origin: germline.
Comment: The c.167_169delAAA variant (also known as p.K56del) is located in coding exon 2 of the MBD4 gene. This variant results from an in-frame AAA deletion at nucleotide positions 167 to 169. This results in the in-frame deletion of a lysine at codon 56. This amino acid position is not well conserved in available vertebrate species. In addition, this alteration is predicted to be neutral by in silico analysis (Choi Y et al. PLoS ONE. 2012; 7(10):e46688). Based on the available evidence, the clinical significance of this variant remains unclear.

Labcorp Genetics (formerly Invitae), Labcorp
Classification: Uncertain significance. Last evaluated: 2024-11-24. Review status: criteria provided, single submitter. Criteria: Invitae Variant Classification Sherloc (09022015). Collection method: clinical testing. Allele origin: germline.
Comment: This variant, c.167_169del, results in the deletion of 1 amino acid(s) of the MBD4 protein (p.Lys56del), but otherwise preserves the integrity of the reading frame. This variant is present in population databases (rs759423043, gnomAD 0.04%). This variant has not been reported in the literature in individuals affected with MBD4-related conditions. ClinVar contains an entry for this variant (Variation ID: 2883611). Experimental studies and prediction algorithms are not available or were not evaluated, and the functional significance of this variant is currently unknown. In summary, the available evidence is currently insufficient to determine the role of this variant in disease. Therefore, it has been classified as a Variant of Uncertain Significance.

NM_001276270.2(MBD4):c.167_169del (p.Lys56del)

Gene: MBD4 (methyl-CpG binding domain 4, DNA glycosylase; minus strand). Cytogenetic location: 3q21.3.
Variant type: Deletion.
Coding change: c.167_169del on transcript NM_001276270.2 (MANE Select); coding-DNA positions 167 to 169, 3 bases deleted (AAA; older notation c.167_169delAAA).
Protein change: p.Lys56del; deletes lysine 56.
Molecular consequence: inframe deletion.
Genome position (GRCh38, 1-based): chr3:129,437,886-129,437,888, TTT deleted on the plus strand (AAA on the coding strand, the reverse complement: MBD4 is on the minus strand); deleting any 3 consecutive bases within chr3:129,437,886-129,437,890 gives the same sequence; the c. name uses the placement nearest the transcript's 3' end. VCF-style (leftmost placement, unchanged base first): chr3-129437885-CTTT-C. GRCh37 (hg19) VCF-style: chr3-129156728-CTTT-C.
Other names: c.167_169del, p.Lys56del (NM_001276271.2, NM_001276272.2, NM_001276273.2 and 1 more transcripts); c.167_169delAAA (NM_001276270.2); short protein forms K56del.
Identifiers: ClinVar variation 2883611 (VCV002883611.3), dbSNP rs759423043, ClinGen allele CA2605591.
Genomic context (GRCh38, chr3:129,437,885, plus strand): 5'-GTAGCACCAAACTGAGCAGAAGCGATGGGTTCTTGTAGCAAGGGATTACATTCACTGCTT[CTTT>C]TTATCATCATTTGTTCCTCATCTTCTCCCACTCTTTCCAATTCCATAGCAACATCTTCTT-3'